The following is an entry in ClinVar:

ClinVar aggregate classification (germline): Likely benign (1 of 4 stars; one submission).

Submission:

CeGaT Center for Human Genetics Tuebingen
Classification: Likely benign. Last evaluated: 2023-08-01. Review status: criteria provided, single submitter. Criteria: CeGaT Center For Human Genetics Tuebingen Variant Classification Criteria Version 2. Collection method: clinical testing. Allele origin: germline. Affected: yes. Observed: 1 variant allele.
Comment: LRP2: PM2:Supporting, BP4, BP7

NM_004525.3(LRP2):c.13374G>A (p.Leu4458=)

Gene: LRP2 (LDL receptor related protein 2; minus strand). Cytogenetic location: 2q31.1.
Variant type: single nucleotide variant.
Coding change: c.13374G>A on transcript NM_004525.3 (MANE Select); coding-DNA position 13374, G replaced by A.
Protein change: p.Leu4458=; no amino-acid change (leucine 4458 retained).
Molecular consequence: synonymous variant.
Genome position (GRCh38, 1-based): chr2:169,139,265, C>T on the plus strand (G>A on the coding strand, the complement: LRP2 is on the minus strand). VCF-style: chr2-169139265-C-T. GRCh37 (hg19) VCF-style: chr2-169995775-C-T.
Identifiers: ClinVar variation 2651520 (VCV002651520.24), dbSNP rs2545644165, ClinGen allele CA429917954.